The following is an entry in ClinVar:

ClinVar aggregate classification (germline): Pathogenic (1 of 4 stars; one submission).

Submission:

Labcorp Genetics (formerly Invitae), Labcorp
Classification: Pathogenic. Last evaluated: 2021-03-24. Review status: criteria provided, single submitter. Criteria: Invitae Variant Classification Sherloc (09022015). Collection method: clinical testing. Allele origin: germline.
Comment: For these reasons, this variant has been classified as Pathogenic. This variant has not been reported in the literature in individuals with COL4A4-related conditions. This variant is not present in population databases (ExAC no frequency). This sequence change creates a premature translational stop signal (p.Pro1368Alafs*7) in the COL4A4 gene. It is expected to result in an absent or disrupted protein product. Loss-of-function variants in COL4A4 are known to be pathogenic (PMID: 21196518, 24854265, 25307543).

Literature cited by the submitters: PubMed 21196518; PubMed 24854265; PubMed 25307543.

NM_000092.5(COL4A4):c.4097dup (p.Pro1368fs)

Gene: COL4A4 (collagen type IV alpha 4 chain; minus strand). Cytogenetic location: 2q36.3.
Variant type: Duplication.
Coding change: c.4097dup on transcript NM_000092.5 (MANE Select); coding-DNA position 4097, one base duplicated (C; older notation c.4097dupC).
Protein change: p.Pro1368fs; shifts the reading frame from proline 1368.
Molecular consequence: frameshift variant.
Genome position (GRCh38, 1-based): chr2:227,022,167, G duplicated on the plus strand (C on the coding strand, the reverse complement: COL4A4 is on the minus strand); the first of 2 consecutive G bases (chr2:227,022,167-227,022,168); duplicating either gives the same sequence. VCF-style (leftmost placement, unchanged base first): chr2-227022166-C-CG. GRCh37 (hg19) VCF-style: chr2-227886882-C-CG.
Other names: short protein forms P1368fs.
Identifiers: ClinVar variation 1451970 (VCV001451970.6), dbSNP rs2149854259, ClinGen allele CA2573135343.
Genomic context (GRCh38, chr2:227,022,166, plus strand): 5'-GCCTGGCGCCCCAGGAAGGCCTGGGATTCGGGGACAGTCATCCACATCTGCAGGTGGCCC[C>CG]GGTTCACCTGAAATTGGAATCACCGCTTGTGTAATGGATGCACGTGCTTATGAACAAGCT-3'